The following is an entry in ClinVar:

NM_152564.5(VPS13B):c.3772G>A (p.Gly1258Arg)

Gene: VPS13B (vacuolar protein sorting 13 homolog B; plus strand). Cytogenetic location: 8q22.2.
Variant type: single nucleotide variant.
Coding change: c.3772G>A on transcript NM_152564.5 (MANE Select); coding-DNA position 3772, G replaced by A.
Protein change: p.Gly1258Arg; replaces glycine 1258 with arginine.
Molecular consequence: missense variant.
Genome position (GRCh38, 1-based): chr8:99,481,704, G>A. VCF-style: chr8-99481704-G-A. GRCh37 (hg19) VCF-style: chr8-100493932-G-A.
Other names: c.3772G>A, p.Gly1258Arg (NM_017890.5); short protein forms G1258R.
Identifiers: ClinVar variation 4994448 (VCV004994448.1).
Genomic context (GRCh38, chr8:99,481,704, plus strand): 5'-AACAAGATTCAGAAGAGAGGCAATCTCAACCTATCTCCAACCTCTCCAGAGACCATGGCA[G>A]GGCCTGTTCCTACTTCTCCAGTTAGAAGCAGTATAGGCACAGCTCCTCCAGATACCAGCA-3'
Protein context (NP_689777.3, residues 1248-1268): LSPTSPETMA[Gly1258Arg]PVPTSPVRSS

ClinVar aggregate classification (germline): Uncertain significance (1 of 4 stars; one submission).

Conditions:
VPS13B-related disorder. Also called: VPS13B-related condition.

gnomAD v4.1: 1 of 1,613,970 alleles (0.000062%); highest among the groups gnomAD compares: Non-Finnish European, 0.000085%; no homozygotes.

Submission:

PreventionGenetics, part of Exact Sciences
Classification: Uncertain significance for VPS13B-related condition. Last evaluated: 2026-06-08. Review status: criteria provided, single submitter. Criteria: ACMG Guidelines, 2015. Collection method: clinical testing. Allele origin: germline.
Comment: The VPS13B c.3772G>A variant is predicted to result in the amino acid substitution p.Gly1258Arg. To our knowledge, this variant has not been reported in the literature or in a large population database (gnomAD), indicating this variant is rare. At this time, the clinical significance of this variant is uncertain due to the absence of conclusive functional and genetic evidence.